The following is an entry in ClinVar:

ClinVar aggregate classification (germline): Uncertain significance. Review status: criteria provided, multiple submitters, no conflicts (2 of 4 stars). 2 submissions from 2 submitters: Uncertain significance (2). Last evaluated 2025-06-11.

Conditions:
Inborn genetic diseases. Identifiers: MedGen C0950123, MeSH D030342.

Allele frequency attached by ClinVar (database versions not stated): gnomAD 0.00011; 1000 Genomes Project 30x 0.00047; 1000 Genomes Project 0.00040.
gnomAD v4.1: 50 of 1,598,704 alleles (0.0031%); highest among the groups gnomAD compares: African/African-American, 0.017%; no homozygotes.

Submissions (2):

GeneDx
Classification: Uncertain significance. Last evaluated: 2025-06-11. Review status: criteria provided, single submitter. Criteria: GeneDx Variant Classification Process June 2021. Collection method: clinical testing. Allele origin: germline. Affected: yes.
Comment: In silico analysis suggests that this missense variant does not alter protein structure/function; Has not been previously published as pathogenic or benign to our knowledge

Ambry Genetics
Classification: Uncertain significance for Inborn genetic diseases. Last evaluated: 2023-12-09. Review status: criteria provided, single submitter. Criteria: Ambry Variant Classification Scheme 2023. Collection method: clinical testing. Allele origin: germline.

NM_001080414.4(CCDC88C):c.566C>T (p.Ser189Leu)

Gene: CCDC88C (coiled-coil and HOOK domain protein 88C; minus strand). Cytogenetic location: 14q32.11.
Variant type: single nucleotide variant.
Coding change: c.566C>T on transcript NM_001080414.4 (MANE Select); coding-DNA position 566, C replaced by T.
Protein change: p.Ser189Leu; replaces serine 189 with leucine.
Molecular consequence: missense variant.
Genome position (GRCh38, 1-based): chr14:91,339,942, G>A on the plus strand (C>T on the coding strand, the complement: CCDC88C is on the minus strand). VCF-style: chr14-91339942-G-A. GRCh37 (hg19) VCF-style: chr14-91806286-G-A.
Other names: short protein forms S189L.
Identifiers: ClinVar variation 3139588 (VCV003139588.2), dbSNP rs527616983, ClinGen allele CA7310206.